The following is an entry in ClinVar:

ClinVar aggregate classification (germline): Pathogenic/Likely pathogenic. Review status: criteria provided, multiple submitters, no conflicts (2 of 4 stars). 3 submissions from 3 submitters: Pathogenic (2); Likely pathogenic (1). Last evaluated 2025-04-22.

Conditions:
3-methylcrotonyl-CoA carboxylase 2 deficiency. Also called: 3 alpha methylcrotonyl-CoA carboxylase 2 deficiency; 3 alpha methylcrotonylglycinuria 2; MCC 2 deficiency; Methylcrotonylglycinuria type 2; METHYLCROTONYLGLYCINURIA, TYPE II. Identifiers: Orphanet 6, MedGen C1859499, MONDO:0008862, OMIM 210210.

Allele frequency attached by ClinVar (database versions not stated): gnomAD exomes below 0.00001.
gnomAD v4.1: 1 of 1,612,210 alleles (0.000062%); highest among the groups gnomAD compares: Non-Finnish European, 0.000085%; no homozygotes.

Submissions (3):

Natera, Inc.
Classification: Likely pathogenic for 3-methylcrotonyl-CoA carboxylase 2 deficiency. Last evaluated: 2025-04-22. Review status: criteria provided, single submitter. Criteria: Natera Variant Classification Schema (03/2026). Collection method: clinical testing. Allele origin: germline.
Comment: The c.380C>G variant in MCCC2 is a nonsense variant predicted to introduce a stop codon at amino acid 127. This variant is expected to result in nonsense mediated decay, truncation, or a dysfunctional protein product. This variant is rare in the general population with a frequency below the threshold expected for the associated phenotype(s). Given the available evidence, this variant is classified as Likely Pathogenic.

Labcorp Genetics (formerly Invitae), Labcorp
Classification: Pathogenic for 3-methylcrotonyl-CoA carboxylase 2 deficiency. Last evaluated: 2024-01-24. Review status: criteria provided, single submitter. Criteria: Invitae Variant Classification Sherloc (09022015). Collection method: clinical testing. Allele origin: germline.
Comment: This sequence change creates a premature translational stop signal (p.Ser127*) in the MCCC2 gene. It is expected to result in an absent or disrupted protein product. Loss-of-function variants in MCCC2 are known to be pathogenic (PMID: 11181649, 22642865). This variant is not present in population databases (gnomAD no frequency). This variant has not been reported in the literature in individuals affected with MCCC2-related conditions. ClinVar contains an entry for this variant (Variation ID: 96031). For these reasons, this variant has been classified as Pathogenic.

Eurofins Ntd Llc (ga)
Classification: Pathogenic. Last evaluated: 2012-08-29. Review status: criteria provided, single submitter. Criteria: EGL Classification Definitions. Collection method: clinical testing. Allele origin: germline. Observed: 1 variant allele, 1 heterozygote.

Literature cited by the submitters: PubMed 11181649 (cited by Labcorp Genetics (formerly Invitae), Labcorp); PubMed 22642865 (cited by Labcorp Genetics (formerly Invitae), Labcorp).

NM_022132.5(MCCC2):c.380C>G (p.Ser127Ter)

Gene: MCCC2 (methylcrotonyl-CoA carboxylase subunit 2; plus strand). Cytogenetic location: 5q13.2.
Variant type: single nucleotide variant.
Coding change: c.380C>G on transcript NM_022132.5 (MANE Select); coding-DNA position 380, C replaced by G.
Protein change: p.Ser127Ter; replaces serine 127 with a stop codon.
Molecular consequence: nonsense.
Genome position (GRCh38, 1-based): chr5:71,599,757, C>G. VCF-style: chr5-71599757-C-G. GRCh37 (hg19) VCF-style: chr5-70895584-C-G.
Other names: c.380C>G, p.Ser127Ter (NM_001363147.1); short protein forms S127*.
Identifiers: ClinVar variation 96031 (VCV000096031.10), dbSNP rs398124372, ClinGen allele CA223634.